The following is an entry in ClinVar:

NM_022454.4(SOX17):c.646G>T (p.Gly216Cys)

Gene: SOX17 (SRY-box transcription factor 17; plus strand). Cytogenetic location: 8q11.23.
Variant type: single nucleotide variant.
Coding change: c.646G>T on transcript NM_022454.4 (MANE Select); coding-DNA position 646, G replaced by T.
Protein change: p.Gly216Cys; replaces glycine 216 with cysteine.
Molecular consequence: missense variant.
Genome position (GRCh38, 1-based): chr8:54,459,396, G>T. VCF-style: chr8-54459396-G-T. GRCh37 (hg19) VCF-style: chr8-55371956-G-T.
Other names: short protein forms G216C.
Identifiers: ClinVar variation 3234598 (VCV003234598.20), dbSNP rs1383376805, ClinGen allele CA371024860.

ClinVar aggregate classification (germline): Uncertain significance (1 of 4 stars; one submission).

Submission:

CeGaT Center for Human Genetics Tuebingen
Classification: Uncertain significance. Last evaluated: 2024-03-01. Review status: criteria provided, single submitter. Criteria: CeGaT Center For Human Genetics Tuebingen Variant Classification Criteria Version 2. Collection method: clinical testing. Allele origin: germline. Affected: yes. Observed: 1 variant allele.
Comment: SOX17: PM2, PP3